The following is an entry in ClinVar:

ClinVar aggregate classification (germline): Pathogenic/Likely pathogenic. Review status: criteria provided, multiple submitters, no conflicts (2 of 4 stars). 4 submissions from 4 submitters: Pathogenic (2); Likely pathogenic (2). Last evaluated 2025-08-01.

Conditions:
COL4A5-related disorders.

Submissions (5):

GeneDx
Classification: Likely pathogenic. Last evaluated: 2025-08-01. Review status: criteria provided, single submitter. Criteria: GeneDx Variant Classification Process June 2021. Collection method: clinical testing. Allele origin: germline. Affected: yes.
Comment: Alters the last nucleotide of the exon and is predicted to destroy the splice donor site and result in aberrant splicing, although in the absence of functional evidence the actual effect of this sequence change is unknown; Not observed at significant frequency in large population cohorts (gnomAD); This variant is associated with the following publications: (PMID: 25525159, 29526710, 10094548, 20378821, 8648925, 8510391, 9195222)

Blueprint Genetics
Classification: Likely pathogenic for COL4A5-related disorders. Last evaluated: 2024-02-08. Review status: criteria provided, single submitter. Criteria: ACMG Guidelines, 2015. Collection method: clinical testing. Allele origin: germline. Affected: yes. Observed: 1 variant allele.

Labcorp Genetics (formerly Invitae), Labcorp
Classification: Pathogenic. Last evaluated: 2022-04-08. Review status: criteria provided, single submitter. Criteria: Invitae Variant Classification Sherloc (09022015). Collection method: clinical testing. Allele origin: germline.
Comment: For these reasons, this variant has been classified as Pathogenic. Variants that disrupt the consensus splice site are a relatively common cause of aberrant splicing (PMID: 17576681, 9536098). Studies have shown that this missense change results in skipping of exon 49 and introduces a premature termination codon (PMID: 10094548). The resulting mRNA is expected to undergo nonsense-mediated decay. Algorithms developed to predict the effect of missense changes on protein structure and function are either unavailable or do not agree on the potential impact of this missense change (SIFT: "Deleterious"; PolyPhen-2: "Probably Damaging"; Align-GVGD: "Class C0"). This sequence change replaces methionine, which is neutral and non-polar, with isoleucine, which is neutral and non-polar, at codon 1601 of the COL4A5 protein (p.Met1601Ile). RNA analysis indicates that this missense change induces altered splicing and may result in an absent or disrupted protein product. This variant is not present in population databases (gnomAD no frequency). This missense change has been observed in individuals with Alport syndrome (PMID: 8510391, 10094548, 20378821). ClinVar contains an entry for this variant (Variation ID: 24773).

CeGaT Center for Human Genetics Tuebingen
Classification: Pathogenic. Last evaluated: 2016-09-01. Review status: criteria provided, single submitter. Criteria: CeGaT Center For Human Genetics Tuebingen Variant Classification Criteria Version 2. Collection method: clinical testing. Allele origin: germline. Affected: yes. Observed: 1 variant allele.

Dr. Peter K. Rogan Lab, Western University
No classification provided (evidence only). Condition: Nonpapillary renal cell carcinoma. Review status: no classification provided. Collection method: in vitro. Allele origin: not applicable. Functional consequence: retained intron. Not counted in ClinVar's aggregate classification.

Literature cited by the submitters: PubMed 17576681 (cited by Labcorp Genetics (formerly Invitae), Labcorp); PubMed 9536098 (cited by Labcorp Genetics (formerly Invitae), Labcorp); PubMed 10094548 (cited by Labcorp Genetics (formerly Invitae), Labcorp); PubMed 8510391 (cited by Labcorp Genetics (formerly Invitae), Labcorp); PubMed 20378821 (cited by Labcorp Genetics (formerly Invitae), Labcorp).

NM_033380.3(COL4A5):c.4821G>A (p.Met1607Ile)

Gene: COL4A5 (collagen type IV alpha 5 chain; plus strand). Cytogenetic location: Xq22.3.
Variant type: single nucleotide variant.
Coding change: c.4821G>A on transcript NM_033380.3 (MANE Select); coding-DNA position 4821, G replaced by A.
Protein change: p.Met1607Ile; replaces methionine 1607 with isoleucine.
Molecular consequence: missense variant.
Genome position (GRCh38, 1-based): chrX:108,694,921, G>A. VCF-style: chrX-108694921-G-A. GRCh37 (hg19) VCF-style: chrX-107938151-G-A.
Other names: c.4803G>A, p.Met1601Ile (NM_000495.5); c.4821G>A (NM_033380.1); short protein forms M1601I, M1607I.
Identifiers: ClinVar variation 24773 (VCV000024773.50), dbSNP rs104886300, ClinGen allele CA259123.